The following is an entry in ClinVar:

ClinVar aggregate classification (germline): Uncertain significance (1 of 4 stars; one submission).

Allele frequency attached by ClinVar (database versions not stated): gnomAD exomes 0.00001.
gnomAD v4.1: 4 of 1,613,958 alleles (0.00025%); highest among the groups gnomAD compares: Admixed American, 0.005%; no homozygotes.

Submission:

Ambry Genetics
Classification: Uncertain significance. Last evaluated: 2024-05-18. Review status: criteria provided, single submitter. Criteria: Ambry Variant Classification Scheme 2023. Collection method: clinical testing. Allele origin: germline.
Comment: The p.H158Y variant (also known as c.472C>T), located in coding exon 4 of the RINT1 gene, results from a C to T substitution at nucleotide position 472. The histidine at codon 158 is replaced by tyrosine, an amino acid with similar properties. This amino acid position is conserved. In addition, this alteration is predicted to be tolerated by in silico analysis. Since supporting evidence is limited at this time, the clinical significance of this alteration remains unclear.

NM_021930.6(RINT1):c.472C>T (p.His158Tyr)

Gene: RINT1 (RAD50 interactor 1; plus strand). Cytogenetic location: 7q22.3.
Variant type: single nucleotide variant.
Coding change: c.472C>T on transcript NM_021930.6 (MANE Select); coding-DNA position 472, C replaced by T.
Protein change: p.His158Tyr; replaces histidine 158 with tyrosine.
Molecular consequence: missense variant. On other transcripts: 5 prime UTR variant (3), non-coding transcript variant (1).
Genome position (GRCh38, 1-based): chr7:105,542,606, C>T. VCF-style: chr7-105542606-C-T. GRCh37 (hg19) VCF-style: chr7-105183053-C-T.
Other names: c.238C>T, p.His80Tyr (NM_001346599.2); c.-548C>T (NM_001346600.2); c.-451C>T (NM_001346601.2); c.-71C>T (NM_001346603.2); short protein forms H158Y, H80Y.
Identifiers: ClinVar variation 1742708 (VCV001742708.3), dbSNP rs1238436279, ClinGen allele CA368803843.